The following is an entry in ClinVar:

ClinVar aggregate classification (germline): Uncertain significance. Review status: criteria provided, multiple submitters, no conflicts (2 of 4 stars). 2 submissions from 2 submitters: Uncertain significance (2). Last evaluated 2025-10-14.

Conditions:
Emery-Dreifuss muscular dystrophy (EDMD). Also called: Scapuloperoneal syndrome, X-linked (formerly); Humeroperoneal neuromuscular disease, (formerly). Identifiers: Orphanet 261, MedGen C0410189, MONDO:0016830.

Allele frequency attached by ClinVar (database versions not stated): gnomAD exomes 0.00007; ESP Exome Variant Server 0.00008; ExAC 0.00009; TOPMed 0.00011; gnomAD 0.00015; 1000 Genomes Project 30x 0.00047; 1000 Genomes Project 0.00060.
gnomAD v4.1: 65 of 1,613,908 alleles (0.004%); highest among the groups gnomAD compares: African/African-American, 0.044%; no homozygotes.

Submissions (2):

Ambry Genetics
Classification: Uncertain significance. Last evaluated: 2025-10-14. Review status: criteria provided, single submitter. Criteria: Ambry Variant Classification Scheme 2023. Collection method: clinical testing. Allele origin: germline.

Labcorp Genetics (formerly Invitae), Labcorp
Classification: Uncertain significance for Emery-Dreifuss muscular dystrophy. Last evaluated: 2024-11-18. Review status: criteria provided, single submitter. Criteria: Invitae Variant Classification Sherloc (09022015). Collection method: clinical testing. Allele origin: germline.
Comment: This sequence change replaces valine, which is neutral and non-polar, with methionine, which is neutral and non-polar, at codon 511 of the SUN1 protein (p.Val511Met). This variant is present in population databases (rs369117433, gnomAD 0.05%). This variant has not been reported in the literature in individuals affected with SUN1-related conditions. ClinVar contains an entry for this variant (Variation ID: 565778). An algorithm developed to predict the effect of missense changes on protein structure and function (PolyPhen-2) suggests that this variant is likely to be tolerated. In summary, the available evidence is currently insufficient to determine the role of this variant in disease. Therefore, it has been classified as a Variant of Uncertain Significance.

NM_001130965.3(SUN1):c.1531G>A (p.Val511Met)

Gene: SUN1 (Sad1 and UNC84 domain containing 1; plus strand). Cytogenetic location: 7p22.3.
Variant type: single nucleotide variant.
Coding change: c.1531G>A on transcript NM_001130965.3 (MANE Select); coding-DNA position 1531, G replaced by A.
Protein change: p.Val511Met; replaces valine 511 with methionine.
Molecular consequence: missense variant. On other transcripts: non-coding transcript variant (3).
Genome position (GRCh38, 1-based): chr7:860,134, G>A. VCF-style: chr7-860134-G-A. GRCh37 (hg19) VCF-style: chr7-899771-G-A.
Other names: c.1531G>A, p.Val511Met (NM_001367633.1, NM_001367634.1, NM_001367653.1); c.1180G>A, p.Val394Met (NM_001367635.1); c.1222G>A, p.Val408Met (NM_001171944.2); c.1771G>A, p.Val591Met (NM_001367636.1, NM_001367691.1); c.1639G>A, p.Val547Met (NM_001367638.1); c.1072G>A, p.Val358Met (NM_001367639.1); c.1711G>A, p.Val571Met (NM_001367640.1); c.1813G>A, p.Val605Met (NM_001367641.1, NM_001367682.1); and 43 more; short protein forms V511M, V322M, V450M, V461M, V489M, V506M, V510M, V515M.
Identifiers: ClinVar variation 565778 (VCV000565778.10), dbSNP rs369117433, ClinGen allele CA4112293.